The following is an entry in ClinVar:

ClinVar aggregate classification (germline): Likely pathogenic (1 of 4 stars; one submission).

Conditions:
Dilated cardiomyopathy 1G (CMD1G). Identifiers: Orphanet 154, MedGen C1858763, MONDO:0011400, OMIM 604145.
Autosomal recessive limb-girdle muscular dystrophy type 2J (LGMDR10). Also called: Limb-girdle muscular dystrophy, type 2J; MUSCULAR DYSTROPHY, LIMB-GIRDLE, AUTOSOMAL RECESSIVE 10. Identifiers: Orphanet 140922, MedGen C1837342, MONDO:0012127, OMIM 608807.

Submission:

Labcorp Genetics (formerly Invitae), Labcorp
Classification: Likely pathogenic for Dilated cardiomyopathy 1G; Autosomal recessive limb-girdle muscular dystrophy type 2J. Last evaluated: 2023-12-06. Review status: criteria provided, single submitter. Criteria: Invitae Variant Classification Sherloc (09022015). Collection method: clinical testing. Allele origin: germline.
Comment: This sequence change creates a premature translational stop signal (p.Trp35319*) in the TTN gene. While this is not anticipated to result in nonsense mediated decay, it is expected to create a truncated TTN protein. This variant is not present in population databases (gnomAD no frequency). This variant has not been reported in the literature in individuals affected with TTN-related conditions. ClinVar contains an entry for this variant (Variation ID: 2032826). This variant is located in the M band of TTN (PMID: 25589632). Truncating variants in this region have been previously reported in individuals affected with autosomal recessive myopathy and muscular dystrophy (PMID: 18948003, 23975875, 24395473). Truncating variants in this region have also been identified in individuals affected with autosomal dominant dilated cardiomyopathy and/or cardio-related conditions (PMID: 27869827, 32964742). In summary, the currently available evidence indicates that the variant is pathogenic, but additional data are needed to prove that conclusively. Therefore, this variant has been classified as Likely Pathogenic.

Literature cited by the submitters: PubMed 25589632; PubMed 18948003; PubMed 23975875; PubMed 24395473; PubMed 27869827; PubMed 32964742.

NM_001267550.2(TTN):c.105957G>A (p.Trp35319Ter)

Genes: TTN (titin; minus strand), TTN-AS1 (TTN antisense RNA 1; plus strand), LOC129935183 (ATAC-STARR-seq lymphoblastoid active region 16808; plus strand). Cytogenetic location: 2q31.2.
Variant type: single nucleotide variant.
Coding change: c.105957G>A on transcript NM_001267550.2 (MANE Select); coding-DNA position 105957, G replaced by A.
Protein change: p.Trp35319Ter; replaces tryptophan 35319 with a stop codon.
Molecular consequence: nonsense.
Genome position (GRCh38, 1-based): chr2:178,530,658, C>T on the plus strand (G>A on the coding strand, the complement: TTN is on the minus strand). VCF-style: chr2-178530658-C-T. GRCh37 (hg19) VCF-style: chr2-179395385-C-T.
Other names: c.101034G>A, p.Trp33678Ter (NM_001256850.1); c.78762G>A, p.Trp26254Ter (NM_003319.4); c.98253G>A, p.Trp32751Ter (NM_133378.4); c.79137G>A, p.Trp26379Ter (NM_133432.3); c.79338G>A, p.Trp26446Ter (NM_133437.4); short protein forms W32751*, W26446*, W35319*, W26254*, W26379*, W33678*.
Identifiers: ClinVar variation 2032826 (VCV002032826.4), dbSNP rs1575219172, ClinGen allele CA349407357.